The following is an entry in ClinVar:

ClinVar aggregate classification (germline): Uncertain significance (1 of 4 stars; one submission).

Conditions:
Peroxisome biogenesis disorder 9B. Also called: PEX7-Related Refsum Disease; PEROXISOME BIOGENESIS DISORDER, PEX7-RELATED, ATYPICAL; Refsum disease, adult, 2. Identifiers: Orphanet 773, MedGen C2749346, MONDO:0013945, OMIM 614879.

gnomAD v4.1: 1 of 1,521,452 alleles (0.000066%); highest among the groups gnomAD compares: Non-Finnish European, 0.000088%; no homozygotes.

Submission:

Labcorp Genetics (formerly Invitae), Labcorp
Classification: Uncertain significance for Peroxisome biogenesis disorder 9B. Last evaluated: 2022-07-06. Review status: criteria provided, single submitter. Criteria: Invitae Variant Classification Sherloc (09022015). Collection method: clinical testing. Allele origin: germline.
Comment: This sequence change replaces alanine, which is neutral and non-polar, with glutamic acid, which is acidic and polar, at codon 8 of the PEX7 protein (p.Ala8Glu). This variant is not present in population databases (gnomAD no frequency). This variant has not been reported in the literature in individuals affected with PEX7-related conditions. ClinVar contains an entry for this variant (Variation ID: 1510470). Algorithms developed to predict the effect of missense changes on protein structure and function (SIFT, PolyPhen-2, Align-GVGD) all suggest that this variant is likely to be tolerated. In summary, the available evidence is currently insufficient to determine the role of this variant in disease. Therefore, it has been classified as a Variant of Uncertain Significance.

NM_000288.4(PEX7):c.23C>A (p.Ala8Glu)

Gene: PEX7 (peroxisomal biogenesis factor 7; plus strand). Cytogenetic location: 6q23.3.
Variant type: single nucleotide variant.
Coding change: c.23C>A on transcript NM_000288.4 (MANE Select); coding-DNA position 23, C replaced by A.
Protein change: p.Ala8Glu; replaces alanine 8 with glutamic acid.
Molecular consequence: missense variant.
Genome position (GRCh38, 1-based): chr6:136,822,688, C>A. VCF-style: chr6-136822688-C-A. GRCh37 (hg19) VCF-style: chr6-137143826-C-A.
Other names: short protein forms A8E.
Identifiers: ClinVar variation 1510470 (VCV001510470.6), dbSNP rs1306941707, ClinGen allele CA365855095.
Genomic context (GRCh38, chr6:136,822,688, plus strand): 5'-CGCGGCCGGGGCAGCGAGGGCCGGGGGCGGCGGGCGGGATGAGTGCGGTGTGCGGTGGAG[C>A]GGCGCGGATGCTGCGGACGCCGGGACGCCACGGCTACGCCGCCGAGTTCTCCCCGTACCT-3'
Protein context (NP_000279.1, residues 1-18): MSAVCGG[Ala8Glu]ARMLRTPGRH